The following is an entry in ClinVar:

NM_001164508.2(NEB):c.10258C>T (p.Arg3420Cys)

Gene: NEB (nebulin; minus strand). Cytogenetic location: 2q23.3.
Variant type: single nucleotide variant.
Coding change: c.10258C>T on transcript NM_001164508.2 (MANE Select); coding-DNA position 10258, C replaced by T.
Protein change: p.Arg3420Cys; replaces arginine 3420 with cysteine.
Molecular consequence: missense variant.
Genome position (GRCh38, 1-based): chr2:151,627,091, G>A on the plus strand (C>T on the coding strand, the complement: NEB is on the minus strand). VCF-style: chr2-151627091-G-A. GRCh37 (hg19) VCF-style: chr2-152483605-G-A.
Other names: c.10258C>T, p.Arg3420Cys (NM_001164507.2, NM_001271208.2); c.9529C>T, p.Arg3177Cys (NM_004543.5); c.9529C>T (NM_004543.4); short protein forms R3420C, R3177C.
Identifiers: ClinVar variation 465428 (VCV000465428.19), dbSNP rs201596787, ClinGen allele CA1909085.

ClinVar aggregate classification (germline): Uncertain significance. Review status: criteria provided, multiple submitters, no conflicts (2 of 4 stars). 5 submissions from 5 submitters: Uncertain significance (4). 1 of the submissions does not count toward it. Last evaluated 2024-09-18.

Conditions:
Inborn genetic diseases. Identifiers: MedGen C0950123, MeSH D030342.
Nemaline myopathy 2 (NEM2). Also called: Nemaline myopathy 2, autosomal recessive. Identifiers: MedGen C1850569, MONDO:0009725, OMIM 256030.

Allele frequency attached by ClinVar (database versions not stated): TOPMed 0.00007; ESP Exome Variant Server 0.00008; gnomAD exomes 0.00009 and 0.00010; ExAC 0.00010; gnomAD 0.00015 and 0.00018.
gnomAD v4.1: 170 of 1,613,706 alleles (0.011%); highest among the groups gnomAD compares: Non-Finnish European, 0.0093%; no homozygotes.

Submissions (5):

Labcorp Genetics (formerly Invitae), Labcorp
Classification: Uncertain significance for Nemaline myopathy 2. Last evaluated: 2024-09-18. Review status: criteria provided, single submitter. Criteria: Invitae Variant Classification Sherloc (09022015). Collection method: clinical testing. Allele origin: germline.
Comment: This sequence change replaces arginine, which is basic and polar, with cysteine, which is neutral and slightly polar, at codon 3420 of the NEB protein (p.Arg3420Cys). This variant is present in population databases (rs201596787, gnomAD 0.07%). This variant has not been reported in the literature in individuals affected with NEB-related conditions. ClinVar contains an entry for this variant (Variation ID: 465428). Experimental studies and prediction algorithms are not available or were not evaluated, and the functional significance of this variant is currently unknown. In summary, the available evidence is currently insufficient to determine the role of this variant in disease. Therefore, it has been classified as a Variant of Uncertain Significance.

Revvity Omics, Revvity
Classification: Uncertain significance. Last evaluated: 2022-09-13. Review status: criteria provided, single submitter. Criteria: ACMG Guidelines, 2015. Collection method: clinical testing. Allele origin: germline.

Ambry Genetics
Classification: Uncertain significance for Inborn genetic diseases. Last evaluated: 2022-05-11. Review status: criteria provided, single submitter. Criteria: Ambry Variant Classification Scheme 2023. Collection method: clinical testing. Allele origin: germline.

GeneDx
Classification: Uncertain significance. Last evaluated: 2020-09-09. Review status: criteria provided, single submitter. Criteria: GeneDx Variant Classification Process June 2021. Collection method: clinical testing. Allele origin: germline. Affected: yes.
Comment: In silico analysis supports that this missense variant has a deleterious effect on protein structure/function; Has not been previously published as pathogenic or benign to our knowledge

Natera, Inc.
Classification: Uncertain significance for Nemaline myopathy type 2. Last evaluated: 2019-11-11. Review status: no assertion criteria provided. Collection method: clinical testing. Allele origin: germline. Not counted in ClinVar's aggregate classification.